The following is an entry in ClinVar:

ClinVar aggregate classification (germline): Uncertain significance (1 of 4 stars; one submission).

Conditions:
Distal myopathy with posterior leg and anterior hand involvement. Also called: WILLIAMS DISTAL MYOPATHY. Identifiers: Orphanet 63273, MedGen C3279722, MONDO:0013550, OMIM 614065.
Hypertrophic cardiomyopathy 26. Also called: Cardiomyopathy, familial hypertrophic, 26. Identifiers: Orphanet 75249, MedGen C4310749, MONDO:0014883, OMIM 617047.
Myofibrillar myopathy 5. Also called: Filaminopathy (type); FILAMINOPATHY, AUTOSOMAL DOMINANT. Identifiers: Orphanet 171445, MedGen C1836050, MONDO:0012289, OMIM 609524.

Allele frequency attached by ClinVar (database versions not stated): gnomAD exomes below 0.00001.
gnomAD v4.1: 5 of 1,613,696 alleles (0.00031%); highest among the groups gnomAD compares: Non-Finnish European, 0.00042%; no homozygotes.

Submission:

Labcorp Genetics (formerly Invitae), Labcorp
Classification: Uncertain significance for Distal myopathy with posterior leg and anterior hand involvement; Myofibrillar myopathy 5; Hypertrophic cardiomyopathy 26. Last evaluated: 2022-05-05. Review status: criteria provided, single submitter. Criteria: Invitae Variant Classification Sherloc (09022015). Collection method: clinical testing. Allele origin: germline.
Comment: In summary, the available evidence is currently insufficient to determine the role of this variant in disease. Therefore, it has been classified as a Variant of Uncertain Significance. Algorithms developed to predict the effect of missense changes on protein structure and function are either unavailable or do not agree on the potential impact of this missense change (SIFT: "Tolerated"; PolyPhen-2: "Probably Damaging"; Align-GVGD: "Class C0"). This variant has not been reported in the literature in individuals affected with FLNC-related conditions. This variant is not present in population databases (gnomAD no frequency). This sequence change replaces glycine, which is neutral and non-polar, with alanine, which is neutral and non-polar, at codon 605 of the FLNC protein (p.Gly605Ala).

NM_001458.5(FLNC):c.1814G>C (p.Gly605Ala)

Gene: FLNC (filamin C; plus strand). Cytogenetic location: 7q32.1.
Variant type: single nucleotide variant.
Coding change: c.1814G>C on transcript NM_001458.5 (MANE Select); coding-DNA position 1814, G replaced by C.
Protein change: p.Gly605Ala; replaces glycine 605 with alanine.
Molecular consequence: missense variant.
Genome position (GRCh38, 1-based): chr7:128,841,170, G>C. VCF-style: chr7-128841170-G-C. GRCh37 (hg19) VCF-style: chr7-128481224-G-C.
Other names: c.1814G>C, p.Gly605Ala (NM_001127487.2); short protein forms G605A.
Identifiers: ClinVar variation 2133982 (VCV002133982.4), dbSNP rs2536628027, ClinGen allele CA369227132.